The following is an entry in ClinVar:

NM_001170629.2(CHD8):c.360G>T (p.Leu120Phe)

Gene: CHD8 (chromodomain helicase DNA binding protein 8; minus strand). Cytogenetic location: 14q11.2.
Variant type: single nucleotide variant.
Coding change: c.360G>T on transcript NM_001170629.2 (MANE Select); coding-DNA position 360, G replaced by T.
Protein change: p.Leu120Phe; replaces leucine 120 with phenylalanine.
Molecular consequence: missense variant. On other transcripts: intron variant (1).
Genome position (GRCh38, 1-based): chr14:21,431,284, C>A on the plus strand (G>T on the coding strand, the complement: CHD8 is on the minus strand). VCF-style: chr14-21431284-C-A. GRCh37 (hg19) VCF-style: chr14-21899443-C-A.
Other names: c.6+527G>T (NM_020920.4); short protein forms L120F.
Identifiers: ClinVar variation 3618635 (VCV003618635.2).

ClinVar aggregate classification (germline): Uncertain significance (1 of 4 stars; one submission).

gnomAD v4.1: 1 of 1,579,858 alleles (0.000063%); highest among the groups gnomAD compares: Non-Finnish European, 0.000085%; no homozygotes.

Submission:

Labcorp Genetics (formerly Invitae), Labcorp
Classification: Uncertain significance. Last evaluated: 2024-11-13. Review status: criteria provided, single submitter. Criteria: Invitae Variant Classification Sherloc (09022015). Collection method: clinical testing. Allele origin: germline.
Comment: This sequence change replaces leucine, which is neutral and non-polar, with phenylalanine, which is neutral and non-polar, at codon 120 of the CHD8 protein (p.Leu120Phe). This variant is not present in population databases (gnomAD no frequency). This variant has not been reported in the literature in individuals affected with CHD8-related conditions. Invitae Evidence Modeling of protein sequence and biophysical properties (such as structural, functional, and spatial information, amino acid conservation, physicochemical variation, residue mobility, and thermodynamic stability) indicates that this missense variant is not expected to disrupt CHD8 protein function with a negative predictive value of 95%. In summary, the available evidence is currently insufficient to determine the role of this variant in disease. Therefore, it has been classified as a Variant of Uncertain Significance.